The following is an entry in ClinVar:

ClinVar aggregate classification (germline): Uncertain significance (1 of 4 stars; one submission).

Submission:

Labcorp Genetics (formerly Invitae), Labcorp
Classification: Uncertain significance. Last evaluated: 2025-06-16. Review status: criteria provided, single submitter. Criteria: Invitae Variant Classification Sherloc (09022015). Collection method: clinical testing. Allele origin: germline.
Comment: This sequence change replaces leucine, which is neutral and non-polar, with phenylalanine, which is neutral and non-polar, at codon 67 of the COQ6 protein (p.Leu67Phe). This variant is not present in population databases (gnomAD no frequency). This variant has not been reported in the literature in individuals affected with COQ6-related conditions. ClinVar contains an entry for this variant (Variation ID: 2079521). Invitae Evidence Modeling of protein sequence and biophysical properties (such as structural, functional, and spatial information, amino acid conservation, physicochemical variation, residue mobility, and thermodynamic stability) indicates that this missense variant is expected to disrupt COQ6 protein function with a positive predictive value of 80%. In summary, the available evidence is currently insufficient to determine the role of this variant in disease. Therefore, it has been classified as a Variant of Uncertain Significance.

NM_182476.3(COQ6):c.201G>C (p.Leu67Phe)

Gene: COQ6 (coenzyme Q6, monooxygenase; plus strand). Cytogenetic location: 14q24.3.
Variant type: single nucleotide variant.
Coding change: c.201G>C on transcript NM_182476.3 (MANE Select); coding-DNA position 201, G replaced by C.
Protein change: p.Leu67Phe; replaces leucine 67 with phenylalanine.
Molecular consequence: missense variant.
Genome position (GRCh38, 1-based): chr14:73,953,472, G>C. VCF-style: chr14-73953472-G-C. GRCh37 (hg19) VCF-style: chr14-74420175-G-C.
Other names: c.126G>C, p.Leu42Phe (NM_182480.3); short protein forms L42F, L67F.
Identifiers: ClinVar variation 2079521 (VCV002079521.4), dbSNP rs2502985001, ClinGen allele CA390373944.